The following is an entry in ClinVar:

ClinVar aggregate classification (germline): Uncertain significance. Review status: criteria provided, multiple submitters, no conflicts (2 of 4 stars). 4 submissions from 4 submitters: Uncertain significance (4). Last evaluated 2024-06-05.

Conditions:
Inborn genetic diseases. Identifiers: MedGen C0950123, MeSH D030342.

Allele frequency attached by ClinVar (database versions not stated): ExAC 0.00004; gnomAD 0.00004; gnomAD exomes 0.00004; TOPMed 0.00005; ESP Exome Variant Server 0.00008.

Submissions (4):

Ambry Genetics
Classification: Uncertain significance for Inborn genetic diseases. Last evaluated: 2024-06-05. Review status: criteria provided, single submitter. Criteria: Ambry Variant Classification Scheme 2023. Collection method: clinical testing. Allele origin: germline.

Labcorp Genetics (formerly Invitae), Labcorp
Classification: Uncertain significance. Last evaluated: 2022-05-07. Review status: criteria provided, single submitter. Criteria: Invitae Variant Classification Sherloc (09022015). Collection method: clinical testing. Allele origin: germline.
Comment: In summary, the available evidence is currently insufficient to determine the role of this variant in disease. Therefore, it has been classified as a Variant of Uncertain Significance. Algorithms developed to predict the effect of missense changes on protein structure and function are either unavailable or do not agree on the potential impact of this missense change (SIFT: "Deleterious"; PolyPhen-2: "Benign"; Align-GVGD: "Class C0"). ClinVar contains an entry for this variant (Variation ID: 210230). This variant has not been reported in the literature in individuals affected with ARFGEF2-related conditions. This variant is present in population databases (rs373933885, gnomAD 0.009%). This sequence change replaces glycine, which is neutral and non-polar, with glutamic acid, which is acidic and polar, at codon 672 of the ARFGEF2 protein (p.Gly672Glu).

Athena Diagnostics
Classification: Uncertain significance. Last evaluated: 2019-07-03. Review status: criteria provided, single submitter. Criteria: Athena Diagnostics Criteria. Collection method: clinical testing. Allele origin: germline.

Genetic Services Laboratory, University of Chicago
Classification: Uncertain significance. Last evaluated: 2014-10-09. Review status: criteria provided, single submitter. Criteria: ACMG Guidelines, 2015. Collection method: clinical testing. Allele origin: germline.

NM_006420.3(ARFGEF2):c.2015G>A (p.Gly672Glu)

Gene: ARFGEF2 (ARF guanine nucleotide exchange factor 2; plus strand). Cytogenetic location: 20q13.13.
Variant type: single nucleotide variant.
Coding change: c.2015G>A on transcript NM_006420.3 (MANE Select); coding-DNA position 2015, G replaced by A.
Protein change: p.Gly672Glu; replaces glycine 672 with glutamic acid.
Molecular consequence: missense variant.
Genome position (GRCh38, 1-based): chr20:48,984,785, G>A. VCF-style: chr20-48984785-G-A. GRCh37 (hg19) VCF-style: chr20-47601322-G-A.
Other names: short protein forms G672E.
Identifiers: ClinVar variation 210230 (VCV000210230.12), dbSNP rs373933885, ClinGen allele CA206109.